The following is an entry in ClinVar:

ClinVar aggregate classification (germline): Uncertain significance. Review status: criteria provided, multiple submitters, no conflicts (2 of 4 stars). 2 submissions from 2 submitters: Uncertain significance (2). Last evaluated 2023-08-16.

Conditions:
T-B+ severe combined immunodeficiency due to JAK3 deficiency. Also called: SCID, autosomal recessive, T-negative/B-positive type; SCID, T CELL-NEGATIVE, B CELL-POSITIVE, NK CELL-NEGATIVE. Identifiers: Orphanet 35078, MedGen C1833275, MONDO:0010938, OMIM 600802.

Allele frequency attached by ClinVar (database versions not stated): TOPMed 0.00001.
gnomAD v4.1: 2 of 1,613,908 alleles (0.00012%); highest among the groups gnomAD compares: Admixed American, 0.0033%; no homozygotes.

Submissions (2):

Labcorp Genetics (formerly Invitae), Labcorp
Classification: Uncertain significance for T-B+ severe combined immunodeficiency due to JAK3 deficiency. Last evaluated: 2023-08-16. Review status: criteria provided, single submitter. Criteria: Invitae Variant Classification Sherloc (09022015). Collection method: clinical testing. Allele origin: germline.
Comment: In summary, the available evidence is currently insufficient to determine the role of this variant in disease. Therefore, it has been classified as a Variant of Uncertain Significance. Variants that disrupt the consensus splice site are a relatively common cause of aberrant splicing (PMID: 17576681, 9536098). Algorithms developed to predict the effect of sequence changes on RNA splicing suggest that this variant is not likely to affect RNA splicing. This variant has not been reported in the literature in individuals affected with JAK3-related conditions. This variant is not present in population databases (gnomAD no frequency). This sequence change falls in intron 12 of the JAK3 gene. It does not directly change the encoded amino acid sequence of the JAK3 protein. It affects a nucleotide within the consensus splice site.

Breakthrough Genomics
Classification: Uncertain significance. Review status: criteria provided, single submitter. Criteria: ACMG Guidelines, 2015. Collection method: not provided. Allele origin: germline. Inheritance: Autosomal dominant inheritance. Affected: yes.

Literature cited by the submitters: PubMed 17576681 (cited by Labcorp Genetics (formerly Invitae), Labcorp); PubMed 9536098 (cited by Labcorp Genetics (formerly Invitae), Labcorp).

NM_000215.4(JAK3):c.1701+5G>A

Gene: JAK3 (Janus kinase 3; minus strand). Cytogenetic location: 19p13.11.
Variant type: single nucleotide variant.
Coding change: c.1701+5G>A on transcript NM_000215.4 (MANE Select); 5 bases into the intron after coding-DNA position 1701, G replaced by A.
Molecular consequence: intron variant.
Genome position (GRCh38, 1-based): chr19:17,837,927, C>T on the plus strand (G>A on the coding strand, the complement: JAK3 is on the minus strand). VCF-style: chr19-17837927-C-T. GRCh37 (hg19) VCF-style: chr19-17948736-C-T.
Identifiers: ClinVar variation 2902514 (VCV002902514.2), dbSNP rs1382253269, ClinGen allele CA994147834.